The following is an entry in ClinVar:

ClinVar aggregate classification (germline): Uncertain significance (1 of 4 stars; one submission).

Submission:

GeneDx
Classification: Uncertain significance. Last evaluated: 2023-04-17. Review status: criteria provided, single submitter. Criteria: GeneDx Variant Classification Process June 2021. Collection method: clinical testing. Allele origin: germline. Affected: yes.
Comment: Not observed at significant frequency in large population cohorts (gnomAD); In silico analysis supports a deleterious effect on protein structure/function; Has not been previously published as pathogenic or benign to our knowledge

NM_001378328.1(CELSR1):c.1499_1500delinsTG (p.Ser500Met)

Gene: CELSR1 (cadherin EGF LAG seven-pass G-type receptor 1; minus strand). Cytogenetic location: 22q13.31.
Variant type: Indel.
Coding change: c.1499_1500delinsTG on transcript NM_001378328.1 (MANE Select); coding-DNA positions 1499 to 1500, GC replaced by TG.
Protein change: p.Ser500Met; replaces serine 500 with methionine.
Molecular consequence: missense variant.
Genome position (GRCh38, 1-based): chr22:46,535,671-46,535,672, GC replaced by CA on the plus strand (GC replaced by TG on the coding strand, the reverse complement: CELSR1 is on the minus strand). VCF-style: chr22-46535671-GC-CA. GRCh37 (hg19) VCF-style: chr22-46931568-GC-CA.
Other names: c.1499_1500delinsTG, p.Ser500Met (NM_014246.4); short protein forms S500M.
Identifiers: ClinVar variation 2663588 (VCV002663588.1), dbSNP rs2518411010, ClinGen allele CA2695200131.